The following is an entry in ClinVar:

NM_014714.4(IFT140):c.1321C>T (p.Arg441Cys)

Genes: IFT140 (intraflagellar transport 140; minus strand), LOC105371046 (uncharacterized LOC105371046; plus strand). Cytogenetic location: 16p13.3.
Variant type: single nucleotide variant.
Coding change: c.1321C>T on transcript NM_014714.4 (MANE Select); coding-DNA position 1321, C replaced by T.
Protein change: p.Arg441Cys; replaces arginine 441 with cysteine.
Molecular consequence: missense variant.
Genome position (GRCh38, 1-based): chr16:1,584,255, G>A on the plus strand (C>T on the coding strand, the complement: IFT140 is on the minus strand). VCF-style: chr16-1584255-G-A. GRCh37 (hg19) VCF-style: chr16-1634256-G-A.
Other names: short protein forms R441C.
Identifiers: ClinVar variation 1314603 (VCV001314603.8), dbSNP rs758986711, ClinGen allele CA7814371.

ClinVar aggregate classification (germline): Uncertain significance. Review status: criteria provided, multiple submitters, no conflicts (2 of 4 stars). 3 submissions from 3 submitters: Uncertain significance (3). Last evaluated 2024-11-11.

Conditions:
Saldino-Mainzer syndrome (SRTD9). Also called: SHORT-RIB THORACIC DYSPLASIA 9 WITHOUT POLYDACTYLY; Renal dysplasia, retinal pigmentary dystrophy, cerebellar ataxia and skeletal dysplasia; short-rib thoracic dysplasia 9 with or without polydactyly; CONORENAL SYNDROME. Identifiers: Orphanet 140969, MedGen C1849437, MONDO:0009964, OMIM 266920.

Allele frequency attached by ClinVar (database versions not stated): gnomAD 0.00001; gnomAD exomes 0.00001; ExAC 0.00002; TOPMed 0.00003.
gnomAD v4.1: 9 of 1,613,512 alleles (0.00056%); highest among the groups gnomAD compares: East Asian, 0.0022%; no homozygotes.

Submissions (3):

Labcorp Genetics (formerly Invitae), Labcorp
Classification: Uncertain significance for Saldino-Mainzer syndrome. Last evaluated: 2024-11-11. Review status: criteria provided, single submitter. Criteria: Invitae Variant Classification Sherloc (09022015). Collection method: clinical testing. Allele origin: germline.
Comment: This sequence change replaces arginine, which is basic and polar, with cysteine, which is neutral and slightly polar, at codon 441 of the IFT140 protein (p.Arg441Cys). The frequency data for this variant in the population databases is considered unreliable, as metrics indicate poor data quality at this position in the gnomAD database. This variant has not been reported in the literature in individuals affected with IFT140-related conditions. ClinVar contains an entry for this variant (Variation ID: 1314603). Invitae Evidence Modeling of protein sequence and biophysical properties (such as structural, functional, and spatial information, amino acid conservation, physicochemical variation, residue mobility, and thermodynamic stability) indicates that this missense variant is not expected to disrupt IFT140 protein function with a negative predictive value of 80%. In summary, the available evidence is currently insufficient to determine the role of this variant in disease. Therefore, it has been classified as a Variant of Uncertain Significance.

Blueprint Genetics
Classification: Uncertain significance. Last evaluated: 2023-06-13. Review status: criteria provided, single submitter. Criteria: ACMG Guidelines, 2015. Collection method: clinical testing. Allele origin: germline.

GeneDx
Classification: Uncertain significance. Last evaluated: 2021-04-06. Review status: criteria provided, single submitter. Criteria: GeneDx Variant Classification Process June 2021. Collection method: clinical testing. Allele origin: germline. Affected: yes.
Comment: Not observed at a significant frequency in large population cohorts (Lek et al., 2016); In silico analysis supports that this missense variant has a deleterious effect on protein structure/function; Has not been previously published as pathogenic or benign to our knowledge